The following is an entry in ClinVar:

NM_001099922.3(ALG13):c.1006A>G (p.Ile336Val)

Gene: ALG13 (ALG13 UDP-N-acetylglucosaminyltransferase subunit; plus strand). Cytogenetic location: Xq23.
Variant type: single nucleotide variant.
Coding change: c.1006A>G on transcript NM_001099922.3 (MANE Select); coding-DNA position 1006, A replaced by G.
Protein change: p.Ile336Val; replaces isoleucine 336 with valine.
Molecular consequence: missense variant. On other transcripts: non-coding transcript variant (1).
Genome position (GRCh38, 1-based): chrX:111,717,846, A>G. VCF-style: chrX-111717846-A-G. GRCh37 (hg19) VCF-style: chrX-110961074-A-G.
Other names: c.694A>G, p.Ile232Val (NM_001257230.2, NM_001257234.2, NM_001257237.2 and 1 more transcripts); c.772A>G, p.Ile258Val (NM_001257231.2); c.1006A>G, p.Ile336Val (NM_001324292.2); short protein forms I232V, I336V, I258V.
Identifiers: ClinVar variation 2834007 (VCV002834007.5), dbSNP rs1481572636, ClinGen allele CA414250634.

ClinVar aggregate classification (germline): Uncertain significance. Review status: criteria provided, multiple submitters, no conflicts (2 of 4 stars). 2 submissions from 2 submitters: Uncertain significance (2). Last evaluated 2025-07-29.

Conditions:
Developmental and epileptic encephalopathy, 36 (DEE36). Also called: Epileptic encephalopathy, early infantile, 36; Congenital disorder of glycosylation, type Is; ALG13-CDG. Identifiers: Orphanet 324422, MedGen C4317295, MONDO:0010472, OMIM 300884.

Allele frequency attached by ClinVar (database versions not stated): gnomAD exomes below 0.00001.
gnomAD v4.1: 2 of 1,183,158 alleles (0.00017%); highest among the groups gnomAD compares: Admixed American, 0.0023%; no homozygotes.

Submissions (2):

GeneDx
Classification: Uncertain significance. Last evaluated: 2025-07-29. Review status: criteria provided, single submitter. Criteria: GeneDx Variant Classification Process June 2021. Collection method: clinical testing. Allele origin: germline.
Comment: In silico analysis suggests that this missense variant does not alter protein structure/function; Has not been previously published as pathogenic or benign to our knowledge

Labcorp Genetics (formerly Invitae), Labcorp
Classification: Uncertain significance for Developmental and epileptic encephalopathy, 36. Last evaluated: 2025-03-10. Review status: criteria provided, single submitter. Criteria: Invitae Variant Classification Sherloc (09022015). Collection method: clinical testing. Allele origin: germline.
Comment: This sequence change replaces isoleucine, which is neutral and non-polar, with valine, which is neutral and non-polar, at codon 336 of the ALG13 protein (p.Ile336Val). The frequency data for this variant in the population databases is considered unreliable, as metrics indicate poor data quality at this position in the gnomAD database. This variant has not been reported in the literature in individuals affected with ALG13-related conditions. ClinVar contains an entry for this variant (Variation ID: 2834007). Invitae Evidence Modeling of protein sequence and biophysical properties (such as structural, functional, and spatial information, amino acid conservation, physicochemical variation, residue mobility, and thermodynamic stability) indicates that this missense variant is not expected to disrupt ALG13 protein function with a negative predictive value of 95%. In summary, the available evidence is currently insufficient to determine the role of this variant in disease. Therefore, it has been classified as a Variant of Uncertain Significance.